The following is an entry in ClinVar:

ClinVar aggregate classification (germline): Conflicting classifications of pathogenicity. Review status: criteria provided, conflicting classifications (1 of 4 stars). 5 submissions from 5 submitters: Likely pathogenic (1); Uncertain significance (3). 1 of the submissions does not count toward it. Last evaluated 2023-12-18.

Conditions:
Cystic fibrosis (CF). Also called: MUCOVISCIDOSIS. Identifiers: Orphanet 586, MedGen C0010674, MONDO:0009061, OMIM 219700. Disease mechanism: loss of function.

Allele frequency attached by ClinVar (database versions not stated): ExAC 0.00001; gnomAD exomes 0.00001; TOPMed 0.00001.

Submissions (5):

Labcorp Genetics (formerly Invitae), Labcorp
Classification: Uncertain significance for Cystic fibrosis. Last evaluated: 2023-12-18. Review status: criteria provided, single submitter. Criteria: Invitae Variant Classification Sherloc (09022015). Collection method: clinical testing. Allele origin: germline.
Comment: This sequence change replaces isoleucine, which is neutral and non-polar, with serine, which is neutral and polar, at codon 1398 of the CFTR protein (p.Ile1398Ser). This variant is present in population databases (rs397508692, gnomAD 0.002%). This missense change has been observed in individual(s) with cystic fibrosis (PMID: 34782259). ClinVar contains an entry for this variant (Variation ID: 53914). Advanced modeling of protein sequence and biophysical properties (such as structural, functional, and spatial information, amino acid conservation, physicochemical variation, residue mobility, and thermodynamic stability) performed at Invitae indicates that this missense variant is expected to disrupt CFTR protein function with a positive predictive value of 80%. In summary, the available evidence is currently insufficient to determine the role of this variant in disease. Therefore, it has been classified as a Variant of Uncertain Significance.

Johns Hopkins Genomics, Johns Hopkins University
Classification: Uncertain significance for Cystic fibrosis. Last evaluated: 2022-09-06. Review status: criteria provided, single submitter. Criteria: ACMG Guidelines, 2015. Collection method: clinical testing. Allele origin: germline.
Comment: CFTR c.4193T>G has been previously identified in multiple individuals with features of cystic fibrosis who also have a second CF-associated variant, although the phase of these variants is not known. This variant (rs397508692) is rare (<0.1%) in a large population dataset (gnomAD: 2/250670 total alleles; 0.0008%; no homozygotes) and has been reported in ClinVar (Variation ID: 53914). Two bioinformatic tools queried predict that this amino acid substitution would be damaging, and the isoleucine residue at this position is evolutionarily conserved across most species assessed. In addition, bioinformatic analysis predicts that this variant may affect normal exon 26 (legacy exon 23) splicing, although this has not been confirmed experimentally to our knowledge. We consider the clinical significance of CFTR c.4193T>G to be uncertain at this time

Institute of Human Genetics, University of Leipzig Medical Center
Classification: Likely pathogenic for Cystic fibrosis. Last evaluated: 2022-09-05. Review status: criteria provided, single submitter. Criteria: ACMG Guidelines, 2015. Collection method: curation. Allele origin: unknown. Affected: yes. Observed: 4 variant alleles.
Comment: This variant was identified in 4 unrelated patients with a clinically confirmed diagnosis of cystic fibrosis. The variant was classified in the context of a project re-classifying variants in the German Cystic Fibrosis Registry (Muko.e.V.). Criteria applied: PM3_STR, PM2_SUP, PP3, PP4

Women's Health and Genetics/Laboratory Corporation of America, LabCorp
Classification: Uncertain significance. Last evaluated: 2021-01-08. Review status: criteria provided, single submitter. Criteria: LabCorp Variant Classification Summary - May 2015. Collection method: clinical testing. Allele origin: germline.
Comment: Variant summary: CFTR c.4193T>G (p.Ile1398Ser) results in a non-conservative amino acid change located in the AAA+ ATPase domain of the encoded protein sequence. Five of five in-silico tools predict a damaging effect of the variant on protein function. The variant allele was found at a frequency of 8e-06 in 250670 control chromosomes. To our knowledge, c.4193T>G has been not been reported in the literature reporting primary evidence in individuals affected with Cystic Fibrosis. The phase of these variants is not available. These data indicate that the variant may be associated with disease. To our knowledge, no experimental evidence demonstrating an impact on protein function has been reported. One clinical diagnostic laboratory has submitted clinical-significance assessments for this variant to ClinVar after 2014 without evidence for independent evaluation. One laboratory classified the variant as uncertain significance. Based on the evidence outlined above, the variant was classified as VUS-possibly pathogenic.

Natera, Inc.
Classification: Uncertain significance for Cystic Fibrosis. Last evaluated: 2020-09-16. Review status: no assertion criteria provided. Collection method: clinical testing. Allele origin: germline. Not counted in ClinVar's aggregate classification.

Literature cited by the submitters: PubMed 34782259 (cited by Labcorp Genetics (formerly Invitae), Labcorp); PubMed 25735457 (cited by Women's Health and Genetics/Laboratory Corporation of America, LabCorp); PubMed 25880441 (cited by Women's Health and Genetics/Laboratory Corporation of America, LabCorp).

NM_000492.4(CFTR):c.4193T>G (p.Ile1398Ser)

Gene: CFTR (CF transmembrane conductance regulator; plus strand). Cytogenetic location: 7q31.2.
Variant type: single nucleotide variant.
Coding change: c.4193T>G on transcript NM_000492.4 (MANE Select); coding-DNA position 4193, T replaced by G.
Protein change: p.Ile1398Ser; replaces isoleucine 1398 with serine.
Molecular consequence: missense variant.
Genome position (GRCh38, 1-based): chr7:117,665,515, T>G. VCF-style: chr7-117665515-T-G. GRCh37 (hg19) VCF-style: chr7-117305569-T-G.
Other names: short protein forms I1398S.
Identifiers: ClinVar variation 53914 (VCV000053914.11), dbSNP rs397508692, ClinGen allele CA327441.
Genomic context (GRCh38, chr7:117,665,515, plus strand): 5'-CTAGAACATACCAAATAATTAGAAGAACTCTAAAACAAGCATTTGCTGATTGCACAGTAA[T>G]TCTCTGTGAACACAGGATAGAAGCAATGCTGGAATGCCAACAATTTTTGGTGAGTCTTTA-3'
Protein context (NP_000483.3, residues 1388-1408): LKQAFADCTV[Ile1398Ser]LCEHRIEAML